The following is an entry in ClinVar:

NM_002474.3(MYH11):c.2745C>T (p.Ala915=)

Gene: MYH11 (myosin heavy chain 11; minus strand). Cytogenetic location: 16p13.11.
Variant type: single nucleotide variant.
Coding change: c.2745C>T on transcript NM_002474.3 (MANE Select); coding-DNA position 2745, C replaced by T.
Protein change: p.Ala915=; no amino-acid change (alanine 915 retained).
Molecular consequence: synonymous variant.
Genome position (GRCh38, 1-based): chr16:15,741,577, G>A on the plus strand (C>T on the coding strand, the complement: MYH11 is on the minus strand). VCF-style: chr16-15741577-G-A. GRCh37 (hg19) VCF-style: chr16-15835434-G-A.
Other names: p.Ala922=; c.2766C>T, p.Ala922= (NM_001040113.2, NM_001040114.2); c.2745C>T, p.Ala915= (NM_022844.3).
Identifiers: ClinVar variation 1128610 (VCV001128610.10), dbSNP rs555972324, ClinGen allele CA7922176.

ClinVar aggregate classification (germline): Likely benign. Review status: criteria provided, multiple submitters, no conflicts (2 of 4 stars). 2 submissions from 2 submitters: Likely benign (2). Last evaluated 2025-05-27.

Conditions:
Aortic aneurysm, familial thoracic 4 (AAT4). Also called: AORTIC ANEURYSM/AORTIC DISSECTION AND PATENT DUCTUS ARTERIOSUS. Identifiers: MedGen C1851504, MONDO:0007568, OMIM 132900.

Allele frequency attached by ClinVar (database versions not stated): gnomAD 0.00001; gnomAD exomes 0.00001; ExAC 0.00002.
gnomAD v4.1: 10 of 1,611,944 alleles (0.00062%); highest among the groups gnomAD compares: African/African-American, 0.0013%; no homozygotes.

Submissions (2):

Mayo Clinic Laboratories, Mayo Clinic
Classification: Likely benign. Last evaluated: 2025-05-27. Review status: criteria provided, single submitter. Criteria: ACMG Guidelines, 2015. Collection method: clinical testing. Allele origin: germline. Observed: 1 variant allele.
Comment: BP4, BP7

Labcorp Genetics (formerly Invitae), Labcorp
Classification: Likely benign for Aortic aneurysm, familial thoracic 4. Last evaluated: 2025-04-01. Review status: criteria provided, single submitter. Criteria: Invitae Variant Classification Sherloc (09022015). Collection method: clinical testing. Allele origin: germline.